The following is an entry in ClinVar:

NM_138694.4(PKHD1):c.1214C>G (p.Ser405Ter)

Gene: PKHD1 (PKHD1 ciliary IPT domain containing fibrocystin/polyductin; minus strand). Cytogenetic location: 6p12.2.
Variant type: single nucleotide variant.
Coding change: c.1214C>G on transcript NM_138694.4 (MANE Select); coding-DNA position 1214, C replaced by G.
Protein change: p.Ser405Ter; replaces serine 405 with a stop codon.
Molecular consequence: nonsense.
Genome position (GRCh38, 1-based): chr6:52,059,947, G>C on the plus strand (C>G on the coding strand, the complement: PKHD1 is on the minus strand). VCF-style: chr6-52059947-G-C. GRCh37 (hg19) VCF-style: chr6-51924745-G-C.
Other names: c.1214C>G, p.Ser405Ter (NM_170724.3); short protein forms S405*.
Identifiers: ClinVar variation 5013169 (VCV005013169.1).

ClinVar aggregate classification (germline): Pathogenic (1 of 4 stars; one submission).

Conditions:
Polycystic kidney disease 4 (PKD4). Also called: POLYCYSTIC KIDNEY AND HEPATIC DISEASE 1; POLYCYSTIC KIDNEY DISEASE, INFANTILE, TYPE I; POLYCYSTIC KIDNEY DISEASE 4 WITH OR WITHOUT POLYCYSTIC LIVER DISEASE; PKD3; Autosomal Recessive Polycystic Kidney Disease – PKHD1. Identifiers: MedGen C4540575, MONDO:0033004, OMIM 263200.

Submission:

Myriad Genetics, Inc.
Classification: Pathogenic for Polycystic kidney disease 4. Last evaluated: 2024-06-12. Review status: criteria provided, single submitter. Criteria: Myriad Autosomal Dominant, Autosomal Recessive and X-Linked Classification Criteria (2023). Collection method: clinical testing. Allele origin: unknown.
Comment: NM_138694.3(PKHD1):c.1214C>G(S405*) is expected to be pathogenic in the context of autosomal recessive polycystic kidney disease, PKHD1-related. This variant is predicted to lead to an abnormal or absent protein product due to the creation of a premature termination codon in PKHD1, a gene where loss-of-function variants are known to be pathogenic. Please note: this variant was assessed in the context of healthy population screening.